The following is an entry in ClinVar:

NM_001080467.3(MYO5B):c.1323-2A>C

Gene: MYO5B (myosin VB; minus strand). Cytogenetic location: 18q21.1.
Variant type: single nucleotide variant.
Coding change: c.1323-2A>C on transcript NM_001080467.3 (MANE Select); the canonical splice acceptor site of the intron before coding-DNA position 1323, A replaced by C.
Molecular consequence: splice acceptor variant.
Genome position (GRCh38, 1-based): chr18:49,963,032, T>G on the plus strand (A>C on the coding strand, the complement: MYO5B is on the minus strand). VCF-style: chr18-49963032-T-G. GRCh37 (hg19) VCF-style: chr18-47489402-T-G.
Identifiers: ClinVar variation 2748563 (VCV002748563.3), dbSNP rs1568049625, ClinGen allele CA402430540.

ClinVar aggregate classification (germline): Pathogenic (1 of 4 stars; one submission).

Allele frequency attached by ClinVar (database versions not stated): TOPMed 0.00001.

Submission:

Labcorp Genetics (formerly Invitae), Labcorp
Classification: Pathogenic. Last evaluated: 2025-02-17. Review status: criteria provided, single submitter. Criteria: Invitae Variant Classification Sherloc (09022015). Collection method: clinical testing. Allele origin: germline.
Comment: This sequence change affects an acceptor splice site in intron 10 of the MYO5B gene. It is expected to disrupt RNA splicing. Variants that disrupt the donor or acceptor splice site typically lead to a loss of protein function (PMID: 16199547), and loss-of-function variants in MYO5B are known to be pathogenic (PMID: 18724368, 20186687). This variant is not present in population databases (gnomAD no frequency). Disruption of this splice site has been observed in individual(s) with microvillus inclusion disease (PMID: 18724368). ClinVar contains an entry for this variant (Variation ID: 2748563). Algorithms developed to predict the effect of sequence changes on RNA splicing suggest that this variant may disrupt the consensus splice site. For these reasons, this variant has been classified as Pathogenic.

Literature cited by the submitters: PubMed 16199547; PubMed 18724368; PubMed 20186687.